The following is an entry in ClinVar:

ClinVar aggregate classification (germline): Uncertain significance. Review status: criteria provided, multiple submitters, no conflicts (2 of 4 stars). 2 submissions from 2 submitters: Uncertain significance (2). Last evaluated 2026-07-28.

Conditions:
Familial thoracic aortic aneurysm and aortic dissection (TAAD). Also called: Thoracic aortic aneurysms and dissections. Identifiers: Orphanet 91387, MedGen C4707243, MONDO:0019625.

Submissions (2):

Ambry Genetics
Classification: Uncertain significance for Familial thoracic aortic aneurysm and aortic dissection. Last evaluated: 2026-07-28. Review status: criteria provided, single submitter. Criteria: Ambry Variant Classification Scheme 2023. Collection method: clinical testing. Allele origin: germline.
Comment: The p.M2166I variant (also known as c.6498G>A), located in coding exon 39 of the FLNA gene, results from a G to A substitution at nucleotide position 6498. The methionine at codon 2166 is replaced by isoleucine, an amino acid with highly similar properties. This amino acid position is conserved. In addition, the in silico prediction for this alteration is inconclusive. Based on the available evidence, the clinical significance of this variant remains unclear.

GeneDx
Classification: Uncertain significance. Last evaluated: 2022-10-17. Review status: criteria provided, single submitter. Criteria: GeneDx Variant Classification Process June 2021. Collection method: clinical testing. Allele origin: germline. Affected: yes.
Comment: Not observed at significant frequency in large population cohorts (gnomAD); In silico analysis supports that this missense variant has a deleterious effect on protein structure/function; Has not been previously published as pathogenic or benign to our knowledge

NM_001110556.2(FLNA):c.6522G>A (p.Met2174Ile)

Gene: FLNA (filamin A; minus strand). Cytogenetic location: Xq28.
Variant type: single nucleotide variant.
Coding change: c.6522G>A on transcript NM_001110556.2 (MANE Select); coding-DNA position 6522, G replaced by A.
Protein change: p.Met2174Ile; replaces methionine 2174 with isoleucine.
Molecular consequence: missense variant.
Genome position (GRCh38, 1-based): chrX:154,352,428, C>T on the plus strand (G>A on the coding strand, the complement: FLNA is on the minus strand). VCF-style: chrX-154352428-C-T. GRCh37 (hg19) VCF-style: chrX-153580796-C-T.
Other names: c.6498G>A, p.Met2166Ile (NM_001456.4); short protein forms M2166I, M2174I.
Identifiers: ClinVar variation 2502652 (VCV002502652.2), dbSNP rs1472405632, ClinGen allele CA415191463.